The following is an entry in ClinVar:

NM_001243279.3(ACSF3):c.782G>C (p.Gly261Ala)

Gene: ACSF3 (acyl-CoA synthetase family member 3; plus strand). Cytogenetic location: 16q24.3.
Variant type: single nucleotide variant.
Coding change: c.782G>C on transcript NM_001243279.3 (MANE Select); coding-DNA position 782, G replaced by C.
Protein change: p.Gly261Ala; replaces glycine 261 with alanine.
Molecular consequence: missense variant. On other transcripts: 5 prime UTR variant (1), non-coding transcript variant (3).
Genome position (GRCh38, 1-based): chr16:89,102,719, G>C. VCF-style: chr16-89102719-G-C. GRCh37 (hg19) VCF-style: chr16-89169127-G-C.
Other names: c.782G>C, p.Gly261Ala (NM_001127214.4, NM_174917.5); c.-14G>C (NM_001284316.2); short protein forms G261A.
Identifiers: ClinVar variation 1062798 (VCV001062798.10), dbSNP rs1277612080, ClinGen allele CA397137966.

ClinVar aggregate classification (germline): Uncertain significance. Review status: criteria provided, single submitter (1 of 4 stars). 2 submissions from 2 submitters: Uncertain significance (1). 1 of the submissions does not count toward it. Last evaluated 2021-08-27.

Conditions:
Combined malonic and methylmalonic acidemia. Identifiers: Orphanet 289504, MedGen C3280314, MONDO:0013661, OMIM 614265.

Submissions (2):

Labcorp Genetics (formerly Invitae), Labcorp
Classification: Uncertain significance for Combined malonic and methylmalonic acidemia. Last evaluated: 2021-08-27. Review status: criteria provided, single submitter. Criteria: Invitae Variant Classification Sherloc (09022015). Collection method: clinical testing. Allele origin: germline.
Comment: This sequence change replaces glycine with alanine at codon 261 of the ACSF3 protein (p.Gly261Ala). The glycine residue is highly conserved and there is a small physicochemical difference between glycine and alanine. This variant is not present in population databases (ExAC no frequency). This variant has not been reported in the literature in individuals affected with ACSF3-related conditions. Advanced modeling of protein sequence and biophysical properties (such as structural, functional, and spatial information, amino acid conservation, physicochemical variation, residue mobility, and thermodynamic stability) performed at Invitae indicates that this missense variant is expected to disrupt ACSF3 protein function. In summary, the available evidence is currently insufficient to determine the role of this variant in disease. Therefore, it has been classified as a Variant of Uncertain Significance.

Natera, Inc.
Classification: Uncertain significance for Combined malonic and methylmalonic aciduria. Last evaluated: 2020-12-28. Review status: no assertion criteria provided. Collection method: clinical testing. Allele origin: germline. Not counted in ClinVar's aggregate classification.